The following is an entry in ClinVar:

ClinVar aggregate classification (germline): Uncertain significance (1 of 4 stars; one submission).

Conditions:
Alagille syndrome due to a JAG1 point mutation. Also called: JAG1-Related Alagille Syndrome; Alagille Syndrome 1; HEPATIC DUCTULAR HYPOPLASIA, SYNDROMATIC. Identifiers: Orphanet 261619, Orphanet 52, MedGen C1956125, MONDO:0016862, OMIM 118450.

Submission:

Labcorp Genetics (formerly Invitae), Labcorp
Classification: Uncertain significance for Alagille syndrome due to a JAG1 point mutation. Last evaluated: 2019-11-05. Review status: criteria provided, single submitter. Criteria: Invitae Variant Classification Sherloc (09022015). Collection method: clinical testing. Allele origin: germline.
Comment: This sequence change replaces methionine with isoleucine at codon 970 of the JAG1 protein (p.Met970Ile). The methionine residue is highly conserved and there is a small physicochemical difference between methionine and isoleucine. Algorithms developed to predict the effect of missense changes on protein structure and function (SIFT, PolyPhen-2, Align-GVGD) all suggest that this variant is likely to be tolerated, but these predictions have not been confirmed by published functional studies and their clinical significance is uncertain. In summary, the available evidence is currently insufficient to determine the role of this variant in disease. Therefore, it has been classified as a Variant of Uncertain Significance. This variant is not present in population databases (ExAC no frequency). This variant has not been reported in the literature in individuals with JAG1-related conditions.

NM_000214.3(JAG1):c.2910G>A (p.Met970Ile)

Gene: JAG1 (jagged canonical Notch ligand 1; minus strand). Cytogenetic location: 20p12.2.
Variant type: single nucleotide variant.
Coding change: c.2910G>A on transcript NM_000214.3 (MANE Select); coding-DNA position 2910, G replaced by A.
Protein change: p.Met970Ile; replaces methionine 970 with isoleucine.
Molecular consequence: missense variant.
Genome position (GRCh38, 1-based): chr20:10,641,466, C>T on the plus strand (G>A on the coding strand, the complement: JAG1 is on the minus strand). VCF-style: chr20-10641466-C-T. GRCh37 (hg19) VCF-style: chr20-10622114-C-T.
Other names: short protein forms M970I.
Identifiers: ClinVar variation 971140 (VCV000971140.9), dbSNP rs2067271012, ClinGen allele CA408244700.